The following is an entry in ClinVar:

NM_000057.4(BLM):c.361A>C (p.Thr121Pro)

Gene: BLM (BLM RecQ like helicase; plus strand). Cytogenetic location: 15q26.1.
Variant type: single nucleotide variant.
Coding change: c.361A>C on transcript NM_000057.4 (MANE Select); coding-DNA position 361, A replaced by C.
Protein change: p.Thr121Pro; replaces threonine 121 with proline.
Molecular consequence: missense variant. On other transcripts: 5 prime UTR variant (1).
Genome position (GRCh38, 1-based): chr15:90,749,629, A>C. VCF-style: chr15-90749629-A-C. GRCh37 (hg19) VCF-style: chr15-91292859-A-C.
Other names: c.361A>C, p.Thr121Pro (NM_001287246.2, NM_001287247.2); c.-931A>C (NM_001287248.2); c.361A>C (NM_000057.2); short protein forms T121P.
Identifiers: ClinVar variation 852027 (VCV000852027.15), dbSNP rs774608080, ClinGen allele CA7738283.

ClinVar aggregate classification (germline): Uncertain significance. Review status: criteria provided, multiple submitters, no conflicts (2 of 4 stars). 5 submissions from 5 submitters: Uncertain significance (4). 1 of the submissions does not count toward it. Last evaluated 2025-07-21.

Conditions:
Hereditary cancer-predisposing syndrome. Also called: Neoplastic Syndromes, Hereditary; Hereditary Cancer Syndrome; Tumor predisposition; Hereditary neoplastic syndrome. Identifiers: Orphanet 140162, MedGen C0027672, MeSH D009386, MONDO:0015356.
Bloom syndrome (BLM). Also called: Bloom-Torre-Machacek syndrome. Identifiers: Orphanet 125, MedGen C0005859, MONDO:0008876, OMIM 210900.

Allele frequency attached by ClinVar (database versions not stated): gnomAD exomes below 0.00001 and 0.00001; ExAC 0.00002; gnomAD 0.00004 and 0.00005; TOPMed 0.00005.
gnomAD v4.1: 10 of 1,614,104 alleles (0.00062%); highest among the groups gnomAD compares: African/African-American, 0.011%; no homozygotes.

Submissions (5):

Quest Diagnostics Nichols Institute San Juan Capistrano
Classification: Uncertain significance. Last evaluated: 2025-07-21. Review status: criteria provided, single submitter. Criteria: Quest Diagnostics criteria. Collection method: clinical testing. Allele origin: unknown.
Comment: The BLM c.361A>C (p.Thr121Pro) variant has not been reported in individuals with BLM-related conditions in the published literature. The frequency of this variant in the general population (Genome Aggregation Database) is uninformative in the assessment of its pathogenicity. Analysis of this variant using bioinformatics tools for the prediction of the effect of amino acid changes on protein structure and function yielded predictions that this variant is benign. Based on the available information, we are unable to determine the clinical significance of this variant.

St. Jude Molecular Pathology, St. Jude Children's Research Hospital
Classification: Uncertain significance for Bloom syndrome. Last evaluated: 2025-06-17. Review status: criteria provided, single submitter. Criteria: St. Jude Assertion Criteria 2020. Collection method: clinical testing. Allele origin: germline.
Comment: The BLM c.361A>C p.(Thr121Pro) missense change has a maximum subpopulation frequency of 0.012% in gnomAD v2.1.1. The in silico tool REVEL predicts a benign effect on protein function, but to our knowledge this prediction has not been confirmed by functional studies. To our knowledge, this variant has not been reported in individuals with Bloom syndrome. Ã¢ € ¯In summary, the evidence currently available is insufficient to determine the clinical significance of this variant. It has therefore been class ified as of uncertain significance.

Ambry Genetics
Classification: Uncertain significance for Hereditary cancer-predisposing syndrome. Last evaluated: 2025-05-05. Review status: criteria provided, single submitter. Criteria: Ambry Variant Classification Scheme 2023. Collection method: clinical testing. Allele origin: germline.
Comment: The p.T121P variant (also known as c.361A>C), located in coding exon 2 of the BLM gene, results from an A to C substitution at nucleotide position 361. The threonine at codon 121 is replaced by proline, an amino acid with highly similar properties. This amino acid position is not well conserved in available vertebrate species. In addition, this alteration is predicted to be tolerated by in silico analysis. Since supporting evidence is limited at this time, the clinical significance of this alteration remains unclear.

Labcorp Genetics (formerly Invitae), Labcorp
Classification: Uncertain significance for Bloom syndrome. Last evaluated: 2025-01-13. Review status: criteria provided, single submitter. Criteria: Invitae Variant Classification Sherloc (09022015). Collection method: clinical testing. Allele origin: germline.
Comment: This sequence change replaces threonine, which is neutral and polar, with proline, which is neutral and non-polar, at codon 121 of the BLM protein (p.Thr121Pro). This variant is present in population databases (rs774608080, gnomAD 0.02%). This variant has not been reported in the literature in individuals affected with BLM-related conditions. ClinVar contains an entry for this variant (Variation ID: 852027). An algorithm developed to predict the effect of missense changes on protein structure and function (PolyPhen-2) suggests that this variant¬†is likely to be tolerated. In summary, the available evidence is currently insufficient to determine the role of this variant in disease. Therefore, it has been classified as a Variant of Uncertain Significance.

Natera, Inc.
Classification: Uncertain significance for Bloom syndrome. Last evaluated: 2018-09-26. Review status: no assertion criteria provided. Collection method: clinical testing. Allele origin: germline. Not counted in ClinVar's aggregate classification.

Literature cited by the submitters: PubMed 34301788 (cited by Quest Diagnostics Nichols Institute San Juan Capistrano).